The following is an entry in ClinVar:

NM_000075.4(CDK4):c.285T>C (p.His95=)

Gene: CDK4 (cyclin dependent kinase 4; minus strand). Cytogenetic location: 12q14.1.
Variant type: single nucleotide variant.
Coding change: c.285T>C on transcript NM_000075.4 (MANE Select); coding-DNA position 285, T replaced by C.
Protein change: p.His95=; no amino-acid change (histidine 95 retained).
Molecular consequence: synonymous variant.
Genome position (GRCh38, 1-based): chr12:57,751,276, A>G on the plus strand (T>C on the coding strand, the complement: CDK4 is on the minus strand). VCF-style: chr12-57751276-A-G. GRCh37 (hg19) VCF-style: chr12-58145059-A-G.
Identifiers: ClinVar variation 463465 (VCV000463465.16), dbSNP rs757492324, ClinGen allele CA6657850.

ClinVar aggregate classification (germline): Benign/Likely benign. Review status: criteria provided, multiple submitters, no conflicts (2 of 4 stars). 3 submissions from 3 submitters: Benign (1); Likely benign (2). Last evaluated 2024-09-25.

Conditions:
Melanoma, cutaneous malignant, susceptibility to, 3. Also called: Cutaneous malignant melanoma 3. Identifiers: Orphanet 618, MedGen C1836892, MONDO:0012183, OMIM 609048.
Familial melanoma. Also called: Hereditary melanoma; Hereditary cutaneous melanoma. Identifiers: Orphanet 618, MedGen C1512419, MONDO:0018961.
Hereditary cancer-predisposing syndrome. Also called: Neoplastic Syndromes, Hereditary; Hereditary Cancer Syndrome; Hereditary neoplastic syndrome; Tumor predisposition. Identifiers: Orphanet 140162, MedGen C0027672, MeSH D009386, MONDO:0015356.

Allele frequency attached by ClinVar (database versions not stated): gnomAD exomes below 0.00001; ExAC 0.00001.

Submissions (3):

Myriad Genetics, Inc.
Classification: Benign for Melanoma, cutaneous malignant, susceptibility to, 3. Last evaluated: 2024-09-25. Review status: criteria provided, single submitter. Criteria: Myriad Autosomal Dominant, Autosomal Recessive and X-Linked Classification Criteria (2023). Collection method: clinical testing. Allele origin: unknown.
Comment: This variant is considered benign. This variant is a silent/synonymous amino acid change and it is not expected to impact splicing.

Labcorp Genetics (formerly Invitae), Labcorp
Classification: Likely benign for Familial melanoma. Last evaluated: 2019-06-19. Review status: criteria provided, single submitter. Criteria: Invitae Variant Classification Sherloc (09022015). Collection method: clinical testing. Allele origin: germline.

Ambry Genetics
Classification: Likely benign for Hereditary cancer-predisposing syndrome. Last evaluated: 2017-09-25. Review status: criteria provided, single submitter. Criteria: Ambry Variant Classification Scheme 2023. Collection method: clinical testing. Allele origin: germline.